The following is an entry in ClinVar:

NM_001354930.2(RIPK1):c.1835T>C (p.Ile612Thr)

Gene: RIPK1 (receptor interacting serine/threonine kinase 1; plus strand). Cytogenetic location: 6p25.2.
Variant type: single nucleotide variant.
Coding change: c.1835T>C on transcript NM_001354930.2 (MANE Select); coding-DNA position 1835, T replaced by C.
Protein change: p.Ile612Thr; replaces isoleucine 612 with threonine.
Molecular consequence: missense variant.
Genome position (GRCh38, 1-based): chr6:3,113,158, T>C. VCF-style: chr6-3113158-T-C. GRCh37 (hg19) VCF-style: chr6-3113392-T-C.
Other names: c.1346T>C, p.Ile449Thr (NM_001317061.3, NM_001354932.2, NM_001354933.2 and 1 more transcripts); c.1697T>C, p.Ile566Thr (NM_001354931.2); c.1835T>C, p.Ile612Thr (NM_003804.6); c.1835T>C (NM_003804.3); short protein forms I449T, I566T, I612T.
Identifiers: ClinVar variation 1347250 (VCV001347250.11), dbSNP rs372917428, ClinGen allele CA3618527.

ClinVar aggregate classification (germline): Conflicting classifications of pathogenicity. Review status: criteria provided, conflicting classifications (1 of 4 stars). 4 submissions from 4 submitters: Pathogenic (1); Uncertain significance (3). Last evaluated 2026-06-08.

Conditions:
Immunodeficiency 57. Also called: IMMUNODEFICIENCY 57 WITH AUTOINFLAMMATION. Identifiers: MedGen C4748212, MONDO:0020849, OMIM 618108.

Allele frequency attached by ClinVar (database versions not stated): gnomAD 0.00001; TOPMed 0.00002; ExAC 0.00003; gnomAD exomes 0.00003; ESP Exome Variant Server 0.00008.
gnomAD v4.1: 49 of 1,613,884 alleles (0.003%); highest among the groups gnomAD compares: Non-Finnish European, 0.004%; no homozygotes.

Submissions (4):

Center for Molecular Medicine, Children’s Hospital of Fudan University
Classification: Pathogenic for Immunodeficiency 57. Last evaluated: 2026-06-08. Review status: criteria provided, single submitter. Criteria: ACMG Guidelines, 2015. Collection method: clinical testing. Allele origin: paternal. Affected: yes.

Women's Health and Genetics/Laboratory Corporation of America, LabCorp
Classification: Uncertain significance. Last evaluated: 2026-05-08. Review status: criteria provided, single submitter. Criteria: LabCorp Variant Classification Summary - May 2015. Collection method: clinical testing. Allele origin: germline.
Comment: Variant summary: RIPK1 c.1835T>C (p.Ile612Thr) results in a non-conservative amino acid change in the encoded protein sequence. Algorithms developed to predict the effect of missense changes on protein structure and function are either unavailable or do not agree on the potential impact of this missense change. The variant allele was found at a frequency of 4e-05 in 251048 control chromosomes. This frequency is not significantly higher than estimated for disease-causing variants in RIPK1, allowing no conclusion about variant significance. c.1835T>C has been observed in the homozygous state in an individual affected with primary immunodeficiency (Platt_2021). These data indicate that the variant may be associated with disease. To our knowledge, no experimental evidence demonstrating an impact on protein function has been reported. The following publication have been ascertained in the context of this evaluation (PMID: 32888943). ClinVar contains an entry for this variant (Variation ID: 1347250). Based on the evidence outlined above, the variant was classified as VUS-possibly pathogenic.

Labcorp Genetics (formerly Invitae), Labcorp
Classification: Uncertain significance. Last evaluated: 2025-10-12. Review status: criteria provided, single submitter. Criteria: Invitae Variant Classification Sherloc (09022015). Collection method: clinical testing. Allele origin: germline.
Comment: This sequence change replaces isoleucine, which is neutral and non-polar, with threonine, which is neutral and polar, at codon 612 of the RIPK1 protein (p.Ile612Thr). This variant is present in population databases (rs372917428, gnomAD 0.008%). This missense change has been observed in individual(s) with suspected primary immunodeficiency (PMID: 32888943). ClinVar contains an entry for this variant (Variation ID: 1347250). An algorithm developed to predict the effect of missense changes on protein structure and function (PolyPhen-2) suggests that this variant is likely to be disruptive. In summary, the available evidence is currently insufficient to determine the role of this variant in disease. Therefore, it has been classified as a Variant of Uncertain Significance.

Blueprint Genetics
Classification: Uncertain significance. Last evaluated: 2024-10-14. Review status: criteria provided, single submitter. Criteria: ACMG Guidelines, 2015. Collection method: clinical testing. Allele origin: germline.

Literature cited by the submitters: PubMed 32888943 (cited by Women's Health and Genetics/Laboratory Corporation of America, LabCorp and Labcorp Genetics (formerly Invitae), Labcorp).